The following is an entry in ClinVar:

ClinVar aggregate classification (germline): Uncertain significance. Review status: criteria provided, multiple submitters, no conflicts (2 of 4 stars). 2 submissions from 2 submitters: Uncertain significance (2). Last evaluated 2022-08-21.

Conditions:
Peroxisome biogenesis disorder 7A (Zellweger). Also called: Peroxisome biogenesis disorder 7A. Identifiers: Orphanet 912, MedGen C3888385, MONDO:0013938, OMIM 614872.
Peroxisome biogenesis disorder 7B (PBD7B). Identifiers: Orphanet 44, MedGen C3553951, MONDO:0013939, OMIM 614873.

Allele frequency attached by ClinVar (database versions not stated): ExAC 0.00001; gnomAD 0.00001; gnomAD exomes 0.00002; TOPMed 0.00002; ESP Exome Variant Server 0.00008.
gnomAD v4.1: 35 of 1,613,390 alleles (0.0022%); highest among the groups gnomAD compares: Non-Finnish European, 0.0029%; no homozygotes.

Submissions (2):

Labcorp Genetics (formerly Invitae), Labcorp
Classification: Uncertain significance for Peroxisome biogenesis disorder 7A (Zellweger); Peroxisome biogenesis disorder 7B. Last evaluated: 2022-08-21. Review status: criteria provided, single submitter. Criteria: Invitae Variant Classification Sherloc (09022015). Collection method: clinical testing. Allele origin: germline.
Comment: This sequence change replaces arginine, which is basic and polar, with histidine, which is basic and polar, at codon 288 of the PEX26 protein (p.Arg288His). This variant is present in population databases (rs370622812, gnomAD 0.003%). This variant has not been reported in the literature in individuals affected with PEX26-related conditions. ClinVar contains an entry for this variant (Variation ID: 500976). Algorithms developed to predict the effect of missense changes on protein structure and function output the following: SIFT: "Tolerated"; PolyPhen-2: "Benign"; Align-GVGD: "Class C0". The histidine amino acid residue is found in multiple mammalian species, which suggests that this missense change does not adversely affect protein function. In summary, the available evidence is currently insufficient to determine the role of this variant in disease. Therefore, it has been classified as a Variant of Uncertain Significance.

Eurofins Ntd Llc (ga)
Classification: Uncertain significance. Last evaluated: 2017-03-21. Review status: criteria provided, single submitter. Criteria: EGL Classification Definitions 2015. Collection method: clinical testing. Allele origin: germline. Observed: 1 variant allele, 1 heterozygote.

NM_001127649.3(PEX26):c.863G>A (p.Arg288His)

Gene: PEX26 (peroxisomal biogenesis factor 26; plus strand). Cytogenetic location: 22q11.21.
Variant type: single nucleotide variant.
Coding change: c.863G>A on transcript NM_001127649.3 (MANE Select); coding-DNA position 863, G replaced by A.
Protein change: p.Arg288His; replaces arginine 288 with histidine.
Molecular consequence: missense variant.
Genome position (GRCh38, 1-based): chr22:18,088,020, G>A. VCF-style: chr22-18088020-G-A. GRCh37 (hg19) VCF-style: chr22-18570786-G-A.
Other names: c.716G>A, p.Arg239His (NM_001199319.2); c.863G>A, p.Arg288His (NM_017929.6); short protein forms R288H, R239H.
Identifiers: ClinVar variation 500976 (VCV000500976.9), dbSNP rs370622812, ClinGen allele CA10093438.